The following is an entry in ClinVar:

NM_003970.4(MYOM2):c.-6G>A

Gene: MYOM2 (myomesin 2; plus strand). Cytogenetic location: 8p23.3.
Variant type: single nucleotide variant.
Coding change: c.-6G>A on transcript NM_003970.4 (MANE Select); 6 bases upstream of the start codon, G replaced by A.
Molecular consequence: 5 prime UTR variant.
Genome position (GRCh38, 1-based): chr8:2,050,761, G>A. VCF-style: chr8-2050761-G-A. GRCh37 (hg19) VCF-style: chr8-1998875-G-A.
Identifiers: ClinVar variation 3041015 (VCV003041015.2), dbSNP rs10453145, ClinGen allele CA170439360.
Genomic context (GRCh38, chr8:2,050,761, plus strand): 5'-AGGCCTCATGATGCTTGCGAGGGAGCTCAGTGTTGTGTGTGACTCTCTTTGTAGGAGCAC[G>A]CCAAGATGTCCCTTGTGACTGTCCCCTTCTACCAGAAGAGACATAGGCACTTCGACCAGT-3'

ClinVar aggregate classification (germline): Likely benign (0 of 4 stars; one submission).

Conditions:
MYOM2-related disorder. Also called: MYOM2-related condition.

Allele frequency attached by ClinVar (database versions not stated): gnomAD exomes 0.00015; 1000 Genomes Project 30x 0.00031; 1000 Genomes Project 0.00040; ExAC 0.00046; gnomAD 0.00145; TOPMed 0.00164; ESP Exome Variant Server 0.00269.
gnomAD v4.1: 454 of 1,603,650 alleles (0.028%); highest among the groups gnomAD compares: African/African-American, 0.53%; 4 homozygotes.

Submission:

PreventionGenetics, part of Exact Sciences
Classification: Likely benign for MYOM2-related condition. Last evaluated: 2019-10-28. Review status: no assertion criteria provided. Collection method: clinical testing. Allele origin: germline.
Comment: This variant is classified as likely benign based on ACMG/AMP sequence variant interpretation guidelines (Richards et al. 2015 PMID: 25741868, with internal and published modifications).